The following is an entry in ClinVar:

ClinVar aggregate classification (germline): Uncertain significance (1 of 4 stars; one submission).

Allele frequency attached by ClinVar (database versions not stated): gnomAD exomes below 0.00001 and 0.00001; ExAC 0.00001; gnomAD 0.00001; TOPMed 0.00001.
gnomAD v4.1: 2 of 1,609,738 alleles (0.00012%); highest among the groups gnomAD compares: Admixed American, 0.0034%; no homozygotes.

Submission:

Labcorp Genetics (formerly Invitae), Labcorp
Classification: Uncertain significance. Last evaluated: 2025-12-15. Review status: criteria provided, single submitter. Criteria: Invitae Variant Classification Sherloc (09022015). Collection method: clinical testing. Allele origin: germline.
Comment: This sequence change falls in intron 6 of the LYN gene. It does not directly change the encoded amino acid sequence of the LYN protein. It affects a nucleotide within the consensus splice site. This variant is present in population databases (rs756477645, gnomAD 0.006%). This variant has not been reported in the literature in individuals affected with LYN-related conditions. ClinVar contains an entry for this variant (Variation ID: 1368756). Variants that disrupt the consensus splice site are a relatively common cause of aberrant splicing (PMID: 17576681, 9536098). Algorithms developed to predict the effect of sequence changes on RNA splicing suggest that this variant is not likely to affect RNA splicing. In summary, the available evidence is currently insufficient to determine the role of this variant in disease. Therefore, it has been classified as a Variant of Uncertain Significance.

Literature cited by the submitters: PubMed 17576681; PubMed 9536098.

NM_002350.4(LYN):c.488-3T>C

Gene: LYN (LYN proto-oncogene, Src family tyrosine kinase; plus strand). Cytogenetic location: 8q12.1.
Variant type: single nucleotide variant.
Coding change: c.488-3T>C on transcript NM_002350.4 (MANE Select); 3 bases into the intron before coding-DNA position 488, T replaced by C.
Molecular consequence: intron variant.
Genome position (GRCh38, 1-based): chr8:55,951,963, T>C. VCF-style: chr8-55951963-T-C. GRCh37 (hg19) VCF-style: chr8-56864522-T-C.
Other names: c.425-3T>C (NM_001111097.3).
Identifiers: ClinVar variation 1368756 (VCV001368756.6), dbSNP rs756477645, ClinGen allele CA4754052.